The following is an entry in ClinVar:

ClinVar aggregate classification (germline): Uncertain significance (1 of 4 stars; one submission).

Submission:

Women's Health and Genetics/Laboratory Corporation of America, LabCorp
Classification: Uncertain significance. Last evaluated: 2026-06-22. Review status: criteria provided, single submitter. Criteria: LabCorp Variant Classification Summary - May 2015. Collection method: clinical testing. Allele origin: germline.
Comment: Variant summary: AP1G1 c.1822A>G (p.Thr608Ala) results in a non-conservative amino acid change in the encoded protein sequence. Algorithms developed to predict the effect of missense changes on protein structure and function are either unavailable or do not agree on the potential impact of this missense change. The variant was absent in 251482 control chromosomes. The available data on variant occurrences in the general population are insufficient to allow any conclusion about variant significance. To our knowledge, no occurrence of c.1822A>G in individuals affected with AP1G1-related conditions and no experimental evidence demonstrating its impact on protein function have been reported. No submitters have cited clinical-significance assessments for this variant to ClinVar. Based on the evidence outlined above, the variant was classified as uncertain significance.

NM_001128.6(AP1G1):c.1813A>G (p.Thr605Ala)

Gene: AP1G1 (adaptor related protein complex 1 subunit gamma 1; minus strand). Cytogenetic location: 16q22.2.
Variant type: single nucleotide variant.
Coding change: c.1813A>G on transcript NM_001128.6 (MANE Select); coding-DNA position 1813, A replaced by G.
Protein change: p.Thr605Ala; replaces threonine 605 with alanine.
Molecular consequence: missense variant.
Genome position (GRCh38, 1-based): chr16:71,745,532, T>C on the plus strand (A>G on the coding strand, the complement: AP1G1 is on the minus strand). VCF-style: chr16-71745532-T-C. GRCh37 (hg19) VCF-style: chr16-71779435-T-C.
Other names: c.1822A>G, p.Thr608Ala (NM_001030007.2); short protein forms T605A, T608A.
Identifiers: ClinVar variation 4887770 (VCV004887770.1).
Genomic context (GRCh38, chr16:71,745,532, plus strand): 5'-CCTGGCTGGTGGGCTGTGGCCCAGAGGGTGGCGGTTTGGTCTCTAGTGGAGCTGGTTCTG[T>C]CTCTCCATTTGTCTGCACAATCTCAGTAGGGCCATTTGTGGTCACTTTTTCCATGACAGG-3'
Protein context (NP_001119.3, residues 595-615): PTEIVQTNGE[Thr605Ala]EPAPLETKPP